The following is an entry in ClinVar:

ClinVar aggregate classification (germline): Uncertain significance. Review status: criteria provided, multiple submitters, no conflicts (2 of 4 stars). 4 submissions from 4 submitters: Uncertain significance (4). Last evaluated 2025-03-25.

Conditions:
Sessile serrated polyposis cancer syndrome (SSPCS). Identifiers: Orphanet 157798, MedGen C4310714, MONDO:0014919, OMIM 617108.

Allele frequency attached by ClinVar (database versions not stated): gnomAD exomes 0.00001 and 0.00003; ExAC 0.00001; gnomAD 0.00001; TOPMed 0.00001; ESP Exome Variant Server 0.00008.

Submissions (4):

GeneDx
Classification: Uncertain significance. Last evaluated: 2025-03-25. Review status: criteria provided, single submitter. Criteria: GeneDx Variant Classification Process June 2021. Collection method: clinical testing. Allele origin: germline.
Comment: Not observed at significant frequency in large population cohorts (gnomAD); In silico analysis supports that this missense variant has a deleterious effect on protein structure/function; Has not been previously published as pathogenic or benign to our knowledge

Ambry Genetics
Classification: Uncertain significance. Last evaluated: 2024-11-18. Review status: criteria provided, single submitter. Criteria: Ambry Variant Classification Scheme 2023. Collection method: clinical testing. Allele origin: germline.
Comment: The p.G492S variant (also known as c.1474G>A), located in coding exon 8 of the RNF43 gene, results from a G to A substitution at nucleotide position 1474. The glycine at codon 492 is replaced by serine, an amino acid with similar properties. This amino acid position is conserved. In addition, this alteration is predicted to be tolerated by in silico analysis. Based on the available evidence, the clinical significance of this variant remains unclear.

Baylor Genetics
Classification: Uncertain significance for Sessile serrated polyposis cancer syndrome. Last evaluated: 2023-10-16. Review status: criteria provided, single submitter. Criteria: ACMG Guidelines, 2015. Collection method: clinical testing. Allele origin: unknown.

Labcorp Genetics (formerly Invitae), Labcorp
Classification: Uncertain significance. Last evaluated: 2023-03-16. Review status: criteria provided, single submitter. Criteria: Invitae Variant Classification Sherloc (09022015). Collection method: clinical testing. Allele origin: germline.
Comment: This sequence change replaces glycine, which is neutral and non-polar, with serine, which is neutral and polar, at codon 492 of the RNF43 protein (p.Gly492Ser). This variant is present in population databases (rs139561147, gnomAD 0.002%). This variant has not been reported in the literature in individuals affected with RNF43-related conditions. ClinVar contains an entry for this variant (Variation ID: 964344). An algorithm developed to predict the effect of missense changes on protein structure and function (PolyPhen-2) suggests that this variant is likely to be disruptive. In summary, the available evidence is currently insufficient to determine the role of this variant in disease. Therefore, it has been classified as a Variant of Uncertain Significance.

NM_017763.6(RNF43):c.1474G>A (p.Gly492Ser)

Gene: RNF43 (ring finger protein 43; minus strand). Cytogenetic location: 17q22.
Variant type: single nucleotide variant.
Coding change: c.1474G>A on transcript NM_017763.6 (MANE Select); coding-DNA position 1474, G replaced by A.
Protein change: p.Gly492Ser; replaces glycine 492 with serine.
Molecular consequence: missense variant.
Genome position (GRCh38, 1-based): chr17:58,358,302, C>T on the plus strand (G>A on the coding strand, the complement: RNF43 is on the minus strand). VCF-style: chr17-58358302-C-T. GRCh37 (hg19) VCF-style: chr17-56435663-C-T.
Other names: c.1474G>A, p.Gly492Ser (NM_001305544.3); c.1093G>A, p.Gly365Ser (NM_001305545.2); c.1474G>A (NM_017763.4); short protein forms G365S, G492S.
Identifiers: ClinVar variation 964344 (VCV000964344.13), dbSNP rs139561147, ClinGen allele CA8673172.